The following is an entry in ClinVar:

ClinVar aggregate classification (germline): Likely benign. Review status: criteria provided, single submitter (1 of 4 stars). 2 submissions from 2 submitters: Likely benign (1). 1 of the submissions does not count toward it. Last evaluated 2025-07-23.

Conditions:
GATA6-related disorder. Also called: GATA6-related condition.
Atrioventricular septal defect 5 (AVSD5). Identifiers: MedGen C3280939, MONDO:0013769, OMIM 614474.

Allele frequency attached by ClinVar (database versions not stated): TOPMed 0.00006; gnomAD 0.00009 and 0.00010; gnomAD exomes 0.00019.

Submissions (2):

Labcorp Genetics (formerly Invitae), Labcorp
Classification: Likely benign for Atrioventricular septal defect 5. Last evaluated: 2025-07-23. Review status: criteria provided, single submitter. Criteria: Invitae Variant Classification Sherloc (09022015). Collection method: clinical testing. Allele origin: germline.

PreventionGenetics, part of Exact Sciences
Classification: Likely benign for GATA6-related condition. Last evaluated: 2022-12-09. Review status: no assertion criteria provided. Collection method: clinical testing. Allele origin: germline. Not counted in ClinVar's aggregate classification.
Comment: This variant is classified as likely benign based on ACMG/AMP sequence variant interpretation guidelines (Richards et al. 2015 PMID: 25741868, with internal and published modifications).

NM_005257.6(GATA6):c.726T>C (p.Ala242=)

Gene: GATA6 (GATA binding protein 6; plus strand). Cytogenetic location: 18q11.2.
Variant type: single nucleotide variant.
Coding change: c.726T>C on transcript NM_005257.6 (MANE Select); coding-DNA position 726, T replaced by C.
Protein change: p.Ala242=; no amino-acid change (alanine 242 retained).
Molecular consequence: synonymous variant.
Genome position (GRCh38, 1-based): chr18:22,171,870, T>C. VCF-style: chr18-22171870-T-C. GRCh37 (hg19) VCF-style: chr18-19751831-T-C.
Identifiers: ClinVar variation 696318 (VCV000696318.12), dbSNP rs1310939981, ClinGen allele CA503529382.